The following is an entry in ClinVar:

ClinVar aggregate classification (germline): Likely benign. Review status: reviewed by expert panel (3 of 4 stars). 9 submissions from 9 submitters: Likely benign (1). 8 of the submissions do not count toward it. Last evaluated 2017-06-29.

Conditions:
BRCA2-related cancer predisposition. Identifiers: MedGen CN377758, MONDO:0700269.
Hereditary cancer-predisposing syndrome. Also called: Tumor predisposition; Hereditary Cancer Syndrome; Hereditary neoplastic syndrome; Neoplastic Syndromes, Hereditary. Identifiers: Orphanet 140162, MedGen C0027672, MeSH D009386, MONDO:0015356.
Hereditary breast ovarian cancer syndrome. Also called: Breast and ovarian cancer; Hereditary breast and ovarian cancer syndrome; Hereditary breast and ovarian cancer; BRCA1- and BRCA2-Associated Hereditary Breast and Ovarian Cancer; Hereditary breast and ovarian cancer syndrome (HBOC); Hereditary breast and/or ovarian cancer syndrome. Identifiers: Orphanet 145, MedGen C0677776, MeSH D061325, MONDO:0003582. Disease mechanism: loss of function.
Breast-ovarian cancer, familial, susceptibility to, 2 (BROVCA2). Also called: BRCA2 Hereditary Breast and Ovarian Cancer. Identifiers: Orphanet 145, MedGen C2675520, MONDO:0012933, OMIM 612555. Disease mechanism: loss of function.

Allele frequency attached by ClinVar (database versions not stated): ExAC 0.00002; TOPMed 0.00002; gnomAD 0.00001; gnomAD exomes 0.00001 and 0.00004; ESP Exome Variant Server 0.00008.

Submissions (9):

Evidence-based Network for the Interpretation of Germline Mutant Alleles (ENIGMA)
Classification: Likely benign for Breast-ovarian cancer, familial, susceptibility to, 2. Last evaluated: 2017-06-29. Review status: reviewed by expert panel. Criteria: ENIGMA BRCA1/2 Classification Criteria (2017-06-29). Collection method: curation. Allele origin: germline.
Comment: Synonymous substitution variant, with low bioinformatic likelihood to result in a splicing aberration (Splicing prior probability 0.02).

Labcorp Genetics (formerly Invitae), Labcorp
Classification: Likely benign for Hereditary breast ovarian cancer syndrome. Last evaluated: 2025-11-13. Review status: criteria provided, single submitter. Criteria: Invitae Variant Classification Sherloc (09022015). Collection method: clinical testing. Allele origin: germline. Not counted in ClinVar's aggregate classification.

All of Us Research Program, National Institutes of Health
Classification: Likely benign for BRCA2-related cancer predisposition. Last evaluated: 2024-07-10. Review status: criteria provided, single submitter. Criteria: ACMG Guidelines, 2015. Collection method: clinical testing. Allele origin: germline. Inheritance: Autosomal dominant inheritance. Observed: 3 variant alleles, 3 heterozygotes. Not counted in ClinVar's aggregate classification.
Comment: This study involves interpretation of variants in research participants for the purpose of population health screening. Participant phenotype was not available at the time of variant classification. Additional details can be found in publication PMID: 35346344, PMCID: PMC8962531

Quest Diagnostics Nichols Institute San Juan Capistrano
Classification: Likely benign. Last evaluated: 2020-11-19. Review status: criteria provided, single submitter. Criteria: Quest Diagnostics criteria. Collection method: clinical testing. Allele origin: unknown. Not counted in ClinVar's aggregate classification.

Women's Health and Genetics/Laboratory Corporation of America, LabCorp
Classification: Likely benign. Last evaluated: 2019-08-21. Review status: criteria provided, single submitter. Criteria: LabCorp Variant Classification Summary - May 2015. Collection method: clinical testing. Allele origin: germline. Not counted in ClinVar's aggregate classification.

GeneDx
Classification: Likely benign. Last evaluated: 2019-06-24. Review status: criteria provided, single submitter. Criteria: GeneDx Variant Classification Process June 2021. Collection method: clinical testing. Allele origin: germline. Affected: yes. Not counted in ClinVar's aggregate classification.
Comment: This variant is associated with the following publications: (PMID: 18844490, 21702907)

Color Diagnostics, LLC DBA Color Health
Classification: Likely benign for Hereditary cancer-predisposing syndrome. Last evaluated: 2018-01-17. Review status: criteria provided, single submitter. Criteria: ACMG Guidelines, 2015. Collection method: clinical testing. Allele origin: germline. Not counted in ClinVar's aggregate classification.

Ambry Genetics
Classification: Likely benign for Hereditary cancer-predisposing syndrome. Last evaluated: 2014-08-27. Review status: criteria provided, single submitter. Criteria: Ambry Variant Classification Scheme 2023. Collection method: clinical testing. Allele origin: germline. Not counted in ClinVar's aggregate classification.

Counsyl
Classification: Likely benign for Breast-ovarian cancer, familial, susceptibility to, 2. Last evaluated: 2016-07-06. Review status: no assertion criteria provided. Collection method: clinical testing. Allele origin: unknown. Not counted in ClinVar's aggregate classification.

NM_000059.4(BRCA2):c.4699C>T (p.Leu1567=)

Gene: BRCA2 (BRCA2 DNA repair associated; plus strand). Cytogenetic location: 13q13.1.
Variant type: single nucleotide variant.
Coding change: c.4699C>T on transcript NM_000059.4 (MANE Select); coding-DNA position 4699, C replaced by T.
Protein change: p.Leu1567=; no amino-acid change (leucine 1567 retained).
Molecular consequence: synonymous variant.
Genome position (GRCh38, 1-based): chr13:32,339,054, C>T. VCF-style: chr13-32339054-C-T. GRCh37 (hg19) VCF-style: chr13-32913191-C-T.
Identifiers: ClinVar variation 185126 (VCV000185126.26), dbSNP rs146514381, ClinGen allele CA020682.